The following is an entry in ClinVar:

ClinVar aggregate classification (germline): Uncertain significance (1 of 4 stars; one submission).

Submission:

Clinical Genomics Laboratory, Laboratory for Precision Diagnostics, University of Washington
Classification: Uncertain significance. Last evaluated: 2021-09-22. Review status: criteria provided, single submitter. Criteria: ACMG/ClinGen CNV Guidelines, 2019. Collection method: clinical testing. Allele origin: unknown. Affected: yes. Observed: 1 variant allele.
Comment: The classification of this duplication is uncertain, per ACMGG criteria. The duplication includes one protein-coding gene, but it does not overlap any known dosage sensitive genes or regions. A review of public databases (ClinVar, DECIPHER) and the medical literature shows no informative patients with a similar duplication. No similar duplications appear in the Database of Genomic Variants (DGV). It is not known if this duplication is inherited or de novo.

GRCh38/hg38 3p12.2(chr3:81138716-82468162)x3

Genes: GBE1 (1,4-alpha-glucan branching enzyme 1; minus strand), LINC02008 (long intergenic non-protein coding RNA 2008; plus strand), LOC105377178 (uncharacterized LOC105377178; plus strand), LOC112935962 (Sharpr-MPRA regulatory region 4090; plus strand), LOC123002309 (Sharpr-MPRA regulatory region 13148; plus strand) and 8 more. Cytogenetic location: 3p12.2.
Variant type: copy number gain.
Change: copy number 3 (three copies instead of two) of chr3:81,138,716-82,468,162 (1.33 Mb, GRCh38 coordinates, 1-based), cytogenetic band 3p12.2.
Identifiers: ClinVar variation 4755360 (VCV004755360.1).